The following is an entry in ClinVar:

ClinVar aggregate classification (germline): Uncertain significance. Review status: criteria provided, multiple submitters, no conflicts (2 of 4 stars). 2 submissions from 2 submitters: Uncertain significance (2). Last evaluated 2024-11-03.

Allele frequency attached by ClinVar (database versions not stated): gnomAD exomes below 0.00001; TOPMed below 0.00001.
gnomAD v4.1: 2 of 1,612,274 alleles (0.00012%); highest among the groups gnomAD compares: Non-Finnish European, 0.00017%; no homozygotes.

Submissions (2):

Labcorp Genetics (formerly Invitae), Labcorp
Classification: Uncertain significance. Last evaluated: 2024-11-03. Review status: criteria provided, single submitter. Criteria: Invitae Variant Classification Sherloc (09022015). Collection method: clinical testing. Allele origin: germline.
Comment: This sequence change replaces leucine, which is neutral and non-polar, with proline, which is neutral and non-polar, at codon 47 of the TERF2IP protein (p.Leu47Pro). This variant is not present in population databases (gnomAD no frequency). This variant has not been reported in the literature in individuals affected with TERF2IP-related conditions. ClinVar contains an entry for this variant (Variation ID: 1772000). An algorithm developed to predict the effect of missense changes on protein structure and function (PolyPhen-2) suggests that this variant is likely to be tolerated. In summary, the available evidence is currently insufficient to determine the role of this variant in disease. Therefore, it has been classified as a Variant of Uncertain Significance.

Ambry Genetics
Classification: Uncertain significance. Last evaluated: 2022-05-28. Review status: criteria provided, single submitter. Criteria: Ambry Variant Classification Scheme 2023. Collection method: clinical testing. Allele origin: germline.
Comment: The p.L47P variant (also known as c.140T>C), located in coding exon 1 of the TERF2IP gene, results from a T to C substitution at nucleotide position 140. The leucine at codon 47 is replaced by proline, an amino acid with similar properties. This amino acid position is conserved. In addition, the in silico prediction for this alteration is inconclusive. Since supporting evidence is limited at this time, the clinical significance of this alteration remains unclear.

NM_018975.4(TERF2IP):c.140T>C (p.Leu47Pro)

Gene: TERF2IP (TERF2 interacting protein; plus strand). Cytogenetic location: 16q23.1.
Variant type: single nucleotide variant.
Coding change: c.140T>C on transcript NM_018975.4 (MANE Select); coding-DNA position 140, T replaced by C.
Protein change: p.Leu47Pro; replaces leucine 47 with proline.
Molecular consequence: missense variant. On other transcripts: non-coding transcript variant (1).
Genome position (GRCh38, 1-based): chr16:75,648,022, T>C. VCF-style: chr16-75648022-T-C. GRCh37 (hg19) VCF-style: chr16-75681920-T-C.
Other names: short protein forms L47P.
Identifiers: ClinVar variation 1772000 (VCV001772000.4), dbSNP rs2082313688, ClinGen allele CA396817307.
Genomic context (GRCh38, chr16:75,648,022, plus strand): 5'-GCTCCATGTCCTTCTACGTGCGGCCCAGCCCGGCCAAGCGTCGGCTGTCGACGCTCATCC[T>C]GCACGGCGGCGGCACCGTGTGCCGAGTGCAGGAGCCCGGGGCCGTGCTGCTGGCCCAGCC-3'
Protein context (NP_061848.2, residues 37-57): PAKRRLSTLI[Leu47Pro]HGGGTVCRVQ